The following is an entry in ClinVar:

ClinVar aggregate classification (germline): Likely benign (0 of 4 stars; one submission).

Conditions:
PLXNA4-related disorder. Also called: PLXNA4-related condition.

Submission:

PreventionGenetics, part of Exact Sciences
Classification: Likely benign for PLXNA4-related condition. Last evaluated: 2022-04-29. Review status: no assertion criteria provided. Collection method: clinical testing. Allele origin: germline.
Comment: This variant is classified as likely benign based on ACMG/AMP sequence variant interpretation guidelines (Richards et al. 2015 PMID: 25741868, with internal and published modifications).

NM_020911.2(PLXNA4):c.2395+8A>T

Gene: PLXNA4 (plexin A4; minus strand). Cytogenetic location: 7q32.3.
Variant type: single nucleotide variant.
Coding change: c.2395+8A>T on transcript NM_020911.2 (MANE Select); 8 bases into the intron after coding-DNA position 2395, A replaced by T.
Molecular consequence: intron variant.
Genome position (GRCh38, 1-based): chr7:132,203,315, T>A on the plus strand (A>T on the coding strand, the complement: PLXNA4 is on the minus strand). VCF-style: chr7-132203315-T-A. GRCh37 (hg19) VCF-style: chr7-131888074-T-A.
Other names: c.2395+8A>T (NM_001393897.1).
Identifiers: ClinVar variation 3053904 (VCV003053904.2), dbSNP rs2485630276, ClinGen allele CA2579024138.